The following is an entry in ClinVar:

ClinVar aggregate classification (germline): Pathogenic (1 of 4 stars; one submission).

Conditions:
Medulloblastoma (MDB). Also called: MEDULLOBLASTOMA PREDISPOSITION SYNDROME; Medulloblastoma, somatic. Identifiers: Orphanet 616, MedGen C0025149, MeSH D008527, MONDO:0007959, OMIM 155255, HP:0002885.
Gorlin syndrome. Also called: Nevoid Basal Cell Carcinoma Syndrome; Basal cell nevus syndrome. Identifiers: Orphanet 377, MedGen C0004779, MONDO:0007187.

Submission:

Labcorp Genetics (formerly Invitae), Labcorp
Classification: Pathogenic for Gorlin syndrome; Medulloblastoma. Last evaluated: 2021-03-17. Review status: criteria provided, single submitter. Criteria: Invitae Variant Classification Sherloc (09022015). Collection method: clinical testing. Allele origin: germline.
Comment: For these reasons, this variant has been classified as Pathogenic. This sequence change creates a premature translational stop signal (p.Ser288Argfs*27) in the SUFU gene. It is expected to result in an absent or disrupted protein product. Loss-of-function variants in SUFU are known to be pathogenic (PMID: 22508808, 25403219). This variant is not present in population databases (ExAC no frequency). This variant has not been reported in the literature in individuals with SUFU-related conditions.

Literature cited by the submitters: PubMed 22508808; PubMed 25403219.

NM_016169.4(SUFU):c.859_863dup (p.Ser288fs)

Gene: SUFU (SUFU negative regulator of hedgehog signaling; plus strand). Cytogenetic location: 10q24.32.
Variant type: Duplication.
Coding change: c.859_863dup on transcript NM_016169.4 (MANE Select); coding-DNA positions 859 to 863, 5 bases duplicated (GACAG; older notation c.859_863dupGACAG).
Protein change: p.Ser288fs; shifts the reading frame from serine 288.
Molecular consequence: frameshift variant.
Genome position (GRCh38, 1-based): chr10:102,597,242-102,597,246, GACAG duplicated; duplicating any 5 consecutive bases within chr10:102,597,240-102,597,246 gives the same sequence; the c. name uses the placement nearest the transcript's 3' end. VCF-style (leftmost placement, unchanged base first): chr10-102597239-G-GAGGAC. GRCh37 (hg19) VCF-style: chr10-104356996-G-GAGGAC.
Other names: c.859_863dup, p.Ser288fs (NM_001178133.2); short protein forms S288fs.
Identifiers: ClinVar variation 1395659 (VCV001395659.6), dbSNP rs2135881899, ClinGen allele CA2573145408.